The following is an entry in ClinVar:

NM_001110556.2(FLNA):c.4759C>T (p.Pro1587Ser)

Gene: FLNA (filamin A; minus strand). Cytogenetic location: Xq28.
Variant type: single nucleotide variant.
Coding change: c.4759C>T on transcript NM_001110556.2 (MANE Select); coding-DNA position 4759, C replaced by T.
Protein change: p.Pro1587Ser; replaces proline 1587 with serine.
Molecular consequence: missense variant.
Genome position (GRCh38, 1-based): chrX:154,357,620, G>A on the plus strand (C>T on the coding strand, the complement: FLNA is on the minus strand). VCF-style: chrX-154357620-G-A. GRCh37 (hg19) VCF-style: chrX-153585988-G-A.
Other names: c.4759C>T, p.Pro1587Ser (NM_001456.4); short protein forms P1587S.
Identifiers: ClinVar variation 590099 (VCV000590099.5), dbSNP rs782258746, ClinGen allele CA10560465.

ClinVar aggregate classification (germline): Uncertain significance (1 of 4 stars; one submission).

Conditions:
Familial thoracic aortic aneurysm and aortic dissection (TAAD). Also called: Thoracic aortic aneurysms and dissections. Identifiers: Orphanet 91387, MedGen C4707243, MONDO:0019625.

Allele frequency attached by ClinVar (database versions not stated): TOPMed below 0.00001; gnomAD 0.00002; gnomAD exomes 0.00002; ExAC 0.00003; 1000 Genomes Project 30x 0.00042; 1000 Genomes Project 0.00053.
gnomAD v4.1: 20 of 1,209,885 alleles (0.0017%); highest among the groups gnomAD compares: South Asian, 0.032%; no homozygotes.

Submission:

Ambry Genetics
Classification: Uncertain significance for Familial thoracic aortic aneurysm and aortic dissection. Last evaluated: 2017-03-08. Review status: criteria provided, single submitter. Criteria: Ambry Variant Classification Scheme 2023. Collection method: clinical testing. Allele origin: germline.
Comment: The p.P1587S variant (also known as c.4759C>T), located in coding exon 28 of the FLNA gene, results from a C to T substitution at nucleotide position 4759. The proline at codon 1587 is replaced by serine, an amino acid with similar properties. This amino acid position is well conserved in available vertebrate species. In addition, this alteration is predicted to be deleterious by in silico analysis. Since supporting evidence is limited at this time, the clinical significance of this alteration remains unclear.